The following is an entry in ClinVar:

ClinVar aggregate classification (germline): Uncertain significance (1 of 4 stars; one submission).

Conditions:
Classic or attenuated familial adenomatous polyposis. Identifiers: MedGen CN372698, MONDO:0021057.

Submission:

All of Us Research Program, National Institutes of Health
Classification: Uncertain significance for Classic or attenuated familial adenomatous polyposis. Last evaluated: 2023-08-15. Review status: criteria provided, single submitter. Criteria: ACMG Guidelines, 2015. Collection method: clinical testing. Allele origin: germline. Inheritance: Autosomal dominant inheritance. Observed: 1 variant allele, 1 heterozygote.
Comment: This variant is located in the APC protein. To our knowledge, functional studies have not been reported for this variant. This variant has not been reported in individuals affected with APC-related disorders in the literature. This variant has not been identified in the general population by the Genome Aggregation Database (gnomAD). The available evidence is insufficient to determine the role of this variant in disease conclusively. Therefore, this variant is classified as a Variant of Uncertain Significance.

This study involves interpretation of variants in research participants for the purpose of population health screening. Participant phenotype was not available at the time of variant classification. Additional details can be found in publication PMID: 35346344, PMCID: PMC8962531

NM_000038.6(APC):c.1914A>T (p.Ile638=)

Gene: APC (APC regulator of WNT signaling pathway; plus strand). Cytogenetic location: 5q22.2.
Variant type: single nucleotide variant.
Coding change: c.1914A>T on transcript NM_000038.6 (MANE Select); coding-DNA position 1914, A replaced by T.
Protein change: p.Ile638=; no amino-acid change (isoleucine 638 retained).
Molecular consequence: synonymous variant. On other transcripts: non-coding transcript variant (2).
Genome position (GRCh38, 1-based): chr5:112,835,121, A>T. VCF-style: chr5-112835121-A-T. GRCh37 (hg19) VCF-style: chr5-112170818-A-T.
Other names: c.1914A>T, p.Ile638= (NM_001127510.3, NM_001354895.2, NM_001407450.1); c.1860A>T, p.Ile620= (NM_001127511.3); c.1968A>T, p.Ile656= (NM_001354896.2, NM_001407447.1, NM_001407448.1 and 1 more transcripts); c.1944A>T, p.Ile648= (NM_001354897.2); c.1839A>T, p.Ile613= (NM_001354898.2); c.1830A>T, p.Ile610= (NM_001354899.2); c.1791A>T, p.Ile597= (NM_001354900.2); c.1737A>T, p.Ile579= (NM_001354901.2, NM_001407453.1); and 11 more.
Identifiers: ClinVar variation 3072867 (VCV003072867.1), dbSNP rs587781405, ClinGen allele CA445758922.